The following is an entry in ClinVar:

ClinVar aggregate classification (germline): Uncertain significance (1 of 4 stars; one submission).

Submission:

Labcorp Genetics (formerly Invitae), Labcorp
Classification: Uncertain significance. Last evaluated: 2022-04-04. Review status: criteria provided, single submitter. Criteria: Invitae Variant Classification Sherloc (09022015). Collection method: clinical testing. Allele origin: germline.
Comment: This variant has not been reported in the literature in individuals affected with SCO2-related conditions. This variant is not present in population databases (gnomAD no frequency). This sequence change replaces glycine, which is neutral and non-polar, with alanine, which is neutral and non-polar, at codon 129 of the SCO2 protein (p.Gly129Ala). Algorithms developed to predict the effect of missense changes on protein structure and function (SIFT, PolyPhen-2, Align-GVGD) all suggest that this variant is likely to be disruptive. In summary, the available evidence is currently insufficient to determine the role of this variant in disease. Therefore, it has been classified as a Variant of Uncertain Significance.

NM_005138.3(SCO2):c.386G>C (p.Gly129Ala)

Genes: SCO2 (synthesis of cytochrome C oxidase 2; minus strand), NCAPH2 (non-SMC condensin II complex subunit H2; plus strand). Cytogenetic location: 22q13.33.
Variant type: single nucleotide variant.
Coding change: c.386G>C on transcript NM_005138.3 (MANE Select); coding-DNA position 386, G replaced by C.
Protein change: p.Gly129Ala; replaces glycine 129 with alanine.
Molecular consequence: missense variant. On other transcripts: 3 prime UTR variant (2).
Genome position (GRCh38, 1-based): chr22:50,524,026, C>G on the plus strand (G>C on the coding strand, the complement: SCO2 is on the minus strand). VCF-style: chr22-50524026-C-G. GRCh37 (hg19) VCF-style: chr22-50962455-C-G.
Other names: c.*651C>G (NM_001185011.2, NM_152299.4); c.386G>C, p.Gly129Ala (NM_001169109.2, NM_001169110.1, NM_001169111.2); short protein forms G129A.
Identifiers: ClinVar variation 1444972 (VCV001444972.6), dbSNP rs1364707310, ClinGen allele CA412192883.